The following is an entry in ClinVar:

ClinVar aggregate classification (germline): Pathogenic (1 of 4 stars; one submission).

Submission:

GeneDx
Classification: Pathogenic. Last evaluated: 2011-11-08. Review status: criteria provided, single submitter. Criteria: GeneDx Variant Classification (06012015). Collection method: clinical testing. Allele origin: germline. Affected: yes.
Comment: This variant is denoted Met3999Leu (aka M3999L) at the protein level and c.11995 A>T at the cDNA level. An A>T nucleotide substitution was identified in exon 90 of the RYR2 gene, resulting in replacement of the normal Methionine codon (ATG) with a Leucine codon (TTG) at amino acid position 3999 in the cardiac ryanodine receptor. The Met3999Leu variant in the RYR2 gene has not been reported previously as a disease-causing mutation or as a benign polymorphism, to our knowledge. Although Met3999Leu results in a conservative amino acid substitution of one non-polar amino acid for another, the Met3999 residue is conserved across species. In addition, Met3999Leu is located in a mutation hot spot within the channel region of the RYR2 gene (Medeiros-Domingo A et al., 2009). Mutations in nearby codons (Val3990Asp, Lys3997Glu) have been reported in association with CPVT, further supporting the functional importance of this region of the protein. Furthermore, another missense change at this codon (Met3999Val) was identified as a de novo disease-causing mutation in other individuals tested for CPVT at GeneDx. Met3999Leu was not observed in up to 200 control alleles from individuals of African American ancestry tested at GeneDx, indicating it is not a common benign variant in this population. This variant has been observed de novo without confirmed parentage. The variant is found in CPVT panel(s).

NM_001035.3(RYR2):c.11995A>T (p.Met3999Leu)

Gene: RYR2 (ryanodine receptor 2; plus strand). Cytogenetic location: 1q43.
Variant type: single nucleotide variant.
Coding change: c.11995A>T on transcript NM_001035.3 (MANE Select); coding-DNA position 11995, A replaced by T.
Protein change: p.Met3999Leu; replaces methionine 3999 with leucine.
Molecular consequence: missense variant.
Genome position (GRCh38, 1-based): chr1:237,783,707, A>T. VCF-style: chr1-237783707-A-T. GRCh37 (hg19) VCF-style: chr1-237947007-A-T.
Other names: p.M3999L:ATG>TTG; c.11995A>T, p.Met3999Leu (LRG_402t1); short protein forms M3999L.
Identifiers: ClinVar variation 201400 (VCV000201400.2), dbSNP rs794728780, ClinGen allele CA007316.
Genomic context (GRCh38, chr1:237,783,707, plus strand): 5'-TAAACAAATGCAACTGCTTTACCACCAGGTAATGTTGTTAATGGAACGATTGGCAAACAG[A>T]TGGTGGATATGCTTGTGGAATCTTCCAACAACGTGGAGATGATTCTCAAATTTTTTGACA-3'
Protein context (NP_001026.2, residues 3989-4009): NVVNGTIGKQ[Met3999Leu]VDMLVESSNN